The following is an entry in ClinVar:

NM_014363.6(SACS):c.7147C>T (p.Arg2383Cys)

Gene: SACS (sacsin molecular chaperone; minus strand). Cytogenetic location: 13q12.12.
Variant type: single nucleotide variant.
Coding change: c.7147C>T on transcript NM_014363.6 (MANE Select); coding-DNA position 7147, C replaced by T.
Protein change: p.Arg2383Cys; replaces arginine 2383 with cysteine.
Molecular consequence: missense variant.
Genome position (GRCh38, 1-based): chr13:23,336,729, G>A on the plus strand (C>T on the coding strand, the complement: SACS is on the minus strand). VCF-style: chr13-23336729-G-A. GRCh37 (hg19) VCF-style: chr13-23910868-G-A.
Other names: p.Arg2383Cys; c.7147C>T (NM_014363.4); c.6706C>T, p.Arg2236Cys (NM_001278055.2); short protein forms R2383C, R2236C.
Identifiers: ClinVar variation 880850 (VCV000880850.11), dbSNP rs772611372, ClinGen allele CA6910966.

ClinVar aggregate classification (germline): Conflicting classifications of pathogenicity. Review status: criteria provided, conflicting classifications (1 of 4 stars). 5 submissions from 5 submitters: Uncertain significance (4); Likely benign (1). Last evaluated 2026-01-09.

Conditions:
Spastic paraplegia. Identifiers: MedGen C0037772, HP:0001258.
Charlevoix-Saguenay spastic ataxia (SACS). Also called: Spastic ataxia of Charlevoix-Saguenay; AUTOSOMAL RECESSIVE SPASTIC ATAXIA OF CHARLEVOIX-SAGUENAY; SPASTIC ATAXIA 6, AUTOSOMAL RECESSIVE. Identifiers: Orphanet 98, MedGen C1849140, MONDO:0010041, OMIM 270550.
Inborn genetic diseases. Identifiers: MedGen C0950123, MeSH D030342.

Allele frequency attached by ClinVar (database versions not stated): ExAC 0.00002; gnomAD 0.00003 and 0.00004; gnomAD exomes 0.00003; TOPMed 0.00004.
gnomAD v4.1: 50 of 1,613,582 alleles (0.0031%); highest among the groups gnomAD compares: African/African-American, 0.011%; no homozygotes.

Submissions (5):

Labcorp Genetics (formerly Invitae), Labcorp
Classification: Likely benign for Spastic paraplegia. Last evaluated: 2026-01-09. Review status: criteria provided, single submitter. Criteria: Invitae Variant Classification Sherloc (09022015). Collection method: clinical testing. Allele origin: germline.

Ambry Genetics
Classification: Uncertain significance for Inborn genetic diseases. Last evaluated: 2025-01-30. Review status: criteria provided, single submitter. Criteria: Ambry Variant Classification Scheme 2023. Collection method: clinical testing. Allele origin: germline.

Athena Diagnostics
Classification: Uncertain significance. Last evaluated: 2024-09-16. Review status: criteria provided, single submitter. Criteria: Athena Diagnostics Criteria. Collection method: clinical testing. Allele origin: unknown.
Comment: Available data are insufficient to determine the clinical significance of the variant at this time. The frequency of this variant in the general population is uninformative in assessment of its pathogenicity. Polyphen and MutationTaster yielded discordant predictions regarding whether this amino acid change is damaging to the protein.

Mayo Clinic Laboratories, Mayo Clinic
Classification: Uncertain significance. Last evaluated: 2024-04-08. Review status: criteria provided, single submitter. Criteria: ACMG Guidelines, 2015. Collection method: clinical testing. Allele origin: germline. Observed: 1 variant allele.
Comment: PP3, PM2

Illumina Laboratory Services, Illumina
Classification: Uncertain significance for Charlevoix-Saguenay spastic ataxia. Last evaluated: 2018-01-13. Review status: criteria provided, single submitter. Criteria: ICSL Variant Classification Criteria 13 December 2019. Collection method: clinical testing. Allele origin: germline.